The following is an entry in ClinVar:

NM_005050.4(ABCD4):c.1040T>C (p.Leu347Pro)

Gene: ABCD4 (ATP binding cassette subfamily D member 4; minus strand). Cytogenetic location: 14q24.3.
Variant type: single nucleotide variant.
Coding change: c.1040T>C on transcript NM_005050.4 (MANE Select); coding-DNA position 1040, T replaced by C.
Protein change: p.Leu347Pro; replaces leucine 347 with proline.
Molecular consequence: missense variant. On other transcripts: non-coding transcript variant (10).
Genome position (GRCh38, 1-based): chr14:74,292,365, A>G on the plus strand (T>C on the coding strand, the complement: ABCD4 is on the minus strand). VCF-style: chr14-74292365-A-G. GRCh37 (hg19) VCF-style: chr14-74759068-A-G.
Other names: c.914T>C, p.Leu305Pro (NM_001353591.2, NM_001353592.2); c.779T>C, p.Leu260Pro (NM_001353593.2); c.728T>C, p.Leu243Pro (NM_001353594.2); c.626T>C, p.Leu209Pro (NM_001353595.2, NM_001353596.2); c.575T>C, p.Leu192Pro (NM_001353597.2); c.563T>C, p.Leu188Pro (NM_001353598.2, NM_001353599.2, NM_001353600.2 and 2 more transcripts); c.251T>C, p.Leu84Pro (NM_001353602.2, NM_001353603.2, NM_001353604.2 and 6 more transcripts); c.911T>C, p.Leu304Pro (NM_020323.1); and 1 more; short protein forms L209P, L305P, L192P, L243P, L260P, L304P, L347P, L84P.
Identifiers: ClinVar variation 2062425 (VCV002062425.4), dbSNP rs1487728788, ClinGen allele CA390382800.
Genomic context (GRCh38, chr14:74,292,365, plus strand): 5'-CTCTCGCCCAGGATCTCGCAGTCCTGTGACTTCAGGGACATGTCCAGAAGCGTCTCCCGA[A>G]GCTGCCCAATTCTGAACAAGAAAAGAAAATCTGAGGCAGGGTCTGGGAGCCAGGTGAAGG-3'
Protein context (NP_005041.1, residues 337-357): VAGYTHRIGQ[Leu347Pro]RETLLDMSLK

ClinVar aggregate classification (germline): Uncertain significance (1 of 4 stars; one submission).

Conditions:
Methylmalonic acidemia with homocystinuria, type cblJ (MAHCJ). Also called: METHYLMALONIC ACIDURIA AND HOMOCYSTINURIA, cblJ TYPE. Identifiers: Orphanet 369955, MedGen C3553915, MONDO:0013925, OMIM 614857.

Allele frequency attached by ClinVar (database versions not stated): gnomAD exomes 0.00001; gnomAD 0.00001; TOPMed 0.00001.

Submission:

Labcorp Genetics (formerly Invitae), Labcorp
Classification: Uncertain significance for Methylmalonic acidemia with homocystinuria, type cblJ. Last evaluated: 2022-10-17. Review status: criteria provided, single submitter. Criteria: Invitae Variant Classification Sherloc (09022015). Collection method: clinical testing. Allele origin: germline.
Comment: In summary, the available evidence is currently insufficient to determine the role of this variant in disease. Therefore, it has been classified as a Variant of Uncertain Significance. Advanced modeling of protein sequence and biophysical properties (such as structural, functional, and spatial information, amino acid conservation, physicochemical variation, residue mobility, and thermodynamic stability) performed at Invitae indicates that this missense variant is expected to disrupt ABCD4 protein function. This variant has not been reported in the literature in individuals affected with ABCD4-related conditions. This variant is not present in population databases (gnomAD no frequency). This sequence change replaces leucine, which is neutral and non-polar, with proline, which is neutral and non-polar, at codon 347 of the ABCD4 protein (p.Leu347Pro).